The following is an entry in ClinVar:

NM_025144.4(ALPK1):c.343G>A (p.Asp115Asn)

Gene: ALPK1 (alpha kinase 1; plus strand). Cytogenetic location: 4q25.
Variant type: single nucleotide variant.
Coding change: c.343G>A on transcript NM_025144.4 (MANE Select); coding-DNA position 343, G replaced by A.
Protein change: p.Asp115Asn; replaces aspartic acid 115 with asparagine.
Molecular consequence: missense variant.
Genome position (GRCh38, 1-based): chr4:112,411,893, G>A. VCF-style: chr4-112411893-G-A. GRCh37 (hg19) VCF-style: chr4-113333049-G-A.
Other names: c.343G>A, p.Asp115Asn (NM_001102406.2); c.109G>A, p.Asp37Asn (NM_001253884.2); c.343G>A (NM_025144.3); short protein forms D115N, D37N.
Identifiers: ClinVar variation 1914758 (VCV001914758.6), dbSNP rs755828218, ClinGen allele CA3046345.

ClinVar aggregate classification (germline): Uncertain significance. Review status: criteria provided, multiple submitters, no conflicts (2 of 4 stars). 2 submissions from 2 submitters: Uncertain significance (2). Last evaluated 2024-11-24.

Conditions:
Inborn genetic diseases. Identifiers: MedGen C0950123, MeSH D030342.

Allele frequency attached by ClinVar (database versions not stated): ExAC 0.00001; gnomAD exomes 0.00001; gnomAD 0.00002; TOPMed 0.00002.
gnomAD v4.1: 18 of 1,613,924 alleles (0.0011%); highest among the groups gnomAD compares: African/African-American, 0.019%; no homozygotes.

Submissions (2):

Ambry Genetics
Classification: Uncertain significance for Inborn genetic diseases. Last evaluated: 2024-11-24. Review status: criteria provided, single submitter. Criteria: Ambry Variant Classification Scheme 2023. Collection method: clinical testing. Allele origin: germline.

Labcorp Genetics (formerly Invitae), Labcorp
Classification: Uncertain significance. Last evaluated: 2023-12-22. Review status: criteria provided, single submitter. Criteria: Invitae Variant Classification Sherloc (09022015). Collection method: clinical testing. Allele origin: germline.
Comment: This sequence change replaces aspartic acid, which is acidic and polar, with asparagine, which is neutral and polar, at codon 115 of the ALPK1 protein (p.Asp115Asn). This variant is present in population databases (rs755828218, gnomAD 0.01%). This variant has not been reported in the literature in individuals affected with ALPK1-related conditions. ClinVar contains an entry for this variant (Variation ID: 1914758). Advanced modeling of protein sequence and biophysical properties (such as structural, functional, and spatial information, amino acid conservation, physicochemical variation, residue mobility, and thermodynamic stability) performed at Invitae indicates that this missense variant is expected to disrupt ALPK1 protein function with a positive predictive value of 80%. In summary, the available evidence is currently insufficient to determine the role of this variant in disease. Therefore, it has been classified as a Variant of Uncertain Significance.